The following is an entry in ClinVar:

NM_007294.4(BRCA1):c.4357+2T>C

Gene: BRCA1 (BRCA1 DNA repair associated; minus strand). Cytogenetic location: 17q21.31.
Variant type: single nucleotide variant.
Coding change: c.4357+2T>C on transcript NM_007294.4 (MANE Select); the canonical splice donor site of the intron after coding-DNA position 4357, T replaced by C.
Molecular consequence: splice donor variant.
Genome position (GRCh38, 1-based): chr17:43,082,402, A>G on the plus strand (T>C on the coding strand, the complement: BRCA1 is on the minus strand). VCF-style: chr17-43082402-A-G. GRCh37 (hg19) VCF-style: chr17-41234419-A-G.
Other names: IVS13+2T>C; c.4231+2T>C (NM_001407682.1, NM_001407676.1, NM_001407688.1 and 12 more transcripts); c.4234+2T>C (NM_001407863.1, NM_001407679.1, NM_001407938.1 and 13 more transcripts); c.931+2T>C (NM_001408423.1, NM_001408420.1, NM_001408419.1 and 2 more transcripts); c.1045+2T>C (NM_001408404.1, NM_001408472.1, NM_001407990.1 and 18 more transcripts); c.1048+2T>C (NM_007299.4, NM_001407974.1, NM_001407993.1 and 8 more transcripts); c.1750+2T>C (NM_001407969.1); c.4354+2T>C (NM_001407614.1, NM_001407587.1, NM_001407613.1 and 21 more transcripts); and 52 more.
Identifiers: ClinVar variation 55180 (VCV000055180.11), dbSNP rs80358152, ClinGen allele CA002791.

ClinVar aggregate classification (germline): Pathogenic. Review status: criteria provided, single submitter (1 of 4 stars). 2 submissions from 2 submitters: Pathogenic (1). 1 of the submissions does not count toward it. Last evaluated 2024-06-06.

Conditions:
Breast-ovarian cancer, familial, susceptibility to, 1 (BROVCA1). Also called: BRCA1 Hereditary Breast and Ovarian Cancer; OVARIAN CANCER, SUSCEPTIBILITY TO. Identifiers: Orphanet 145, MedGen C2676676, MONDO:0011450, OMIM 604370. Disease mechanism: loss of function.
Hereditary breast ovarian cancer syndrome. Also called: BRCA1- and BRCA2-Associated Hereditary Breast and Ovarian Cancer; Hereditary breast and ovarian cancer syndrome; Hereditary breast and ovarian cancer syndrome (HBOC); Breast and ovarian cancer; Hereditary breast and/or ovarian cancer syndrome; Hereditary breast and ovarian cancer. Identifiers: Orphanet 145, MedGen C0677776, MeSH D061325, MONDO:0003582. Disease mechanism: loss of function.

Submissions (2):

Labcorp Genetics (formerly Invitae), Labcorp
Classification: Pathogenic for Hereditary breast ovarian cancer syndrome. Last evaluated: 2024-06-06. Review status: criteria provided, single submitter. Criteria: Invitae Variant Classification Sherloc (09022015). Collection method: clinical testing. Allele origin: germline.
Comment: This sequence change affects a donor splice site in intron 12 of the BRCA1 gene. RNA analysis indicates that disruption of this splice site induces altered splicing and may result in an absent or disrupted protein product. This variant is not present in population databases (gnomAD no frequency). Disruption of this splice site has been observed in individual(s) with breast and/or ovarian cancer (PMID: 25366421, 27983536, 29470806). ClinVar contains an entry for this variant (Variation ID: 55180). Studies have shown that disruption of this splice site alters mRNA splicing and is expected to lead to the loss of protein expression (PMID: 21735045, 21769658, 24667779). For these reasons, this variant has been classified as Pathogenic.

Sharing Clinical Reports Project (SCRP)
Classification: Pathogenic for Breast-ovarian cancer, familial 1. Last evaluated: 2008-05-05. Review status: no assertion criteria provided. Collection method: clinical testing. Allele origin: germline. Not counted in ClinVar's aggregate classification.

Literature cited by the submitters: PubMed 25366421 (cited by Labcorp Genetics (formerly Invitae), Labcorp); PubMed 27983536 (cited by Labcorp Genetics (formerly Invitae), Labcorp); PubMed 29470806 (cited by Labcorp Genetics (formerly Invitae), Labcorp); PubMed 21735045 (cited by Labcorp Genetics (formerly Invitae), Labcorp); PubMed 21769658 (cited by Labcorp Genetics (formerly Invitae), Labcorp); PubMed 24667779 (cited by Labcorp Genetics (formerly Invitae), Labcorp).